The following is an entry in ClinVar:

NM_015557.3(CHD5):c.1295A>T (p.Asp432Val)

Gene: CHD5 (chromodomain helicase DNA binding protein 5; minus strand). Cytogenetic location: 1p36.31.
Variant type: single nucleotide variant.
Coding change: c.1295A>T on transcript NM_015557.3 (MANE Select); coding-DNA position 1295, A replaced by T.
Protein change: p.Asp432Val; replaces aspartic acid 432 with valine.
Molecular consequence: missense variant.
Genome position (GRCh38, 1-based): chr1:6,148,942, T>A on the plus strand (A>T on the coding strand, the complement: CHD5 is on the minus strand). VCF-style: chr1-6148942-T-A. GRCh37 (hg19) VCF-style: chr1-6209002-T-A.
Other names: short protein forms D432V.
Identifiers: ClinVar variation 3772276 (VCV003772276.13).

ClinVar aggregate classification (germline): Uncertain significance (1 of 4 stars; one submission).

Submission:

CeGaT Center for Human Genetics Tuebingen
Classification: Uncertain significance. Last evaluated: 2025-01-01. Review status: criteria provided, single submitter. Criteria: CeGaT Center For Human Genetics Tuebingen Variant Classification Criteria Version 2. Collection method: clinical testing. Allele origin: germline. Affected: yes. Observed: 1 variant allele.
Comment: CHD5: PM2, PP2